The following is an entry in ClinVar:

ClinVar aggregate classification (germline): Uncertain significance (1 of 4 stars; one submission).

Conditions:
Idiopathic Pulmonary Fibrosis. Also called: Idiopathic fibrosing alveolitis, chronic form; idiopathic fibrosing alveolitis. Identifiers: Orphanet 2032, MedGen C1800706, MeSH D054990, MONDO:0800504.
Dyskeratosis congenita, autosomal dominant 2. Identifiers: MedGen C3151443, MONDO:0013521, OMIM 613989.

Submission:

Labcorp Genetics (formerly Invitae), Labcorp
Classification: Uncertain significance for Dyskeratosis congenita, autosomal dominant 2; Idiopathic Pulmonary Fibrosis. Last evaluated: 2022-09-09. Review status: criteria provided, single submitter. Criteria: Invitae Variant Classification Sherloc (09022015). Collection method: clinical testing. Allele origin: germline.
Comment: This sequence change replaces alanine, which is neutral and non-polar, with valine, which is neutral and non-polar, at codon 181 of the TERT protein (p.Ala181Val). This variant is not present in population databases (gnomAD no frequency). This variant has not been reported in the literature in individuals affected with TERT-related conditions. Algorithms developed to predict the effect of missense changes on protein structure and function (SIFT, PolyPhen-2, Align-GVGD) all suggest that this variant is likely to be tolerated. In summary, the available evidence is currently insufficient to determine the role of this variant in disease. Therefore, it has been classified as a Variant of Uncertain Significance.

NM_198253.3(TERT):c.542C>T (p.Ala181Val)

Gene: TERT (telomerase reverse transcriptase; minus strand). Cytogenetic location: 5p15.33.
Variant type: single nucleotide variant.
Coding change: c.542C>T on transcript NM_198253.3 (MANE Select); coding-DNA position 542, C replaced by T.
Protein change: p.Ala181Val; replaces alanine 181 with valine.
Molecular consequence: missense variant. On other transcripts: non-coding transcript variant (2).
Genome position (GRCh38, 1-based): chr5:1,294,344, G>A on the plus strand (C>T on the coding strand, the complement: TERT is on the minus strand). VCF-style: chr5-1294344-G-A. GRCh37 (hg19) VCF-style: chr5-1294459-G-A.
Other names: c.542C>T, p.Ala181Val (NM_001193376.3, NM_003219.1); short protein forms A181V.
Identifiers: ClinVar variation 1719076 (VCV001719076.6), dbSNP rs2126689359, ClinGen allele CA359057611.
Genomic context (GRCh38, chr5:1,294,344, plus strand): 5'-CGTTCGCATCCCAGACGCCTTCGGGGTCCACTAGCGTGTGGCGGGGGCCGGGCCTGAGTG[G>A]CAGCGCCGAGCTGGTACAGCGGCGGCCCGCACACCTGGTAGGCGCAGCTGGGAGCCACCA-3'
Protein context (NP_937983.2, residues 171-191): CGPPLYQLGA[Ala181Val]TQARPPPHAS